The following is an entry in ClinVar:

ClinVar aggregate classification (germline): Uncertain significance (1 of 4 stars; one submission).

Allele frequency attached by ClinVar (database versions not stated): gnomAD 0.00005; ESP Exome Variant Server 0.00008; TOPMed 0.00009; ExAC 0.00010.
gnomAD v4.1: 79 of 1,613,978 alleles (0.0049%); highest among the groups gnomAD compares: East Asian, 0.045%; no homozygotes.

Submission:

Labcorp Genetics (formerly Invitae), Labcorp
Classification: Uncertain significance. Last evaluated: 2023-04-07. Review status: criteria provided, single submitter. Criteria: Invitae Variant Classification Sherloc (09022015). Collection method: clinical testing. Allele origin: germline.
Comment: This variant has not been reported in the literature in individuals affected with PLVAP-related conditions. In summary, the available evidence is currently insufficient to determine the role of this variant in disease. Therefore, it has been classified as a Variant of Uncertain Significance. Advanced modeling of protein sequence and biophysical properties (such as structural, functional, and spatial information, amino acid conservation, physicochemical variation, residue mobility, and thermodynamic stability) performed at Invitae indicates that this missense variant is not expected to disrupt PLVAP protein function. ClinVar contains an entry for this variant (Variation ID: 2152450). This variant is present in population databases (rs151286294, gnomAD 0.06%). This sequence change replaces valine, which is neutral and non-polar, with methionine, which is neutral and non-polar, at codon 192 of the PLVAP protein (p.Val192Met).

NM_031310.3(PLVAP):c.574G>A (p.Val192Met)

Gene: PLVAP (plasmalemma vesicle associated protein; minus strand). Cytogenetic location: 19p13.11.
Variant type: single nucleotide variant.
Coding change: c.574G>A on transcript NM_031310.3 (MANE Select); coding-DNA position 574, G replaced by A.
Protein change: p.Val192Met; replaces valine 192 with methionine.
Molecular consequence: missense variant.
Genome position (GRCh38, 1-based): chr19:17,365,891, C>T on the plus strand (G>A on the coding strand, the complement: PLVAP is on the minus strand). VCF-style: chr19-17365891-C-T. GRCh37 (hg19) VCF-style: chr19-17476700-C-T.
Other names: short protein forms V192M.
Identifiers: ClinVar variation 2152450 (VCV002152450.2), dbSNP rs151286294, ClinGen allele CA9294011.